The following is an entry in ClinVar:

NM_004341.5(CAD):c.3510C>T (p.Pro1170=)

Gene: CAD (carbamoyl-phosphate synthetase 2, aspartate transcarbamylase, and dihydroorotase; plus strand). Cytogenetic location: 2p23.3.
Variant type: single nucleotide variant.
Coding change: c.3510C>T on transcript NM_004341.5 (MANE Select); coding-DNA position 3510, C replaced by T.
Protein change: p.Pro1170=; no amino-acid change (proline 1170 retained).
Molecular consequence: synonymous variant.
Genome position (GRCh38, 1-based): chr2:27,234,118, C>T. VCF-style: chr2-27234118-C-T. GRCh37 (hg19) VCF-style: chr2-27456986-C-T.
Other names: c.3321C>T, p.Pro1107= (NM_001306079.2); c.3510C>T (NM_004341.4).
Identifiers: ClinVar variation 1614054 (VCV001614054.10), dbSNP rs748683362, ClinGen allele CA44509392.

ClinVar aggregate classification (germline): Likely benign. Review status: criteria provided, single submitter (1 of 4 stars). 2 submissions from 2 submitters: Likely benign (1). 1 of the submissions does not count toward it. Last evaluated 2025-10-02.

Conditions:
CAD-related disorder. Also called: CAD-related condition.

Allele frequency attached by ClinVar (database versions not stated): gnomAD 0.00001; TOPMed 0.00001.
gnomAD v4.1: 14 of 1,614,030 alleles (0.00087%); highest among the groups gnomAD compares: Middle Eastern, 0.15%; no homozygotes.

Submissions (2):

Labcorp Genetics (formerly Invitae), Labcorp
Classification: Likely benign. Last evaluated: 2025-10-02. Review status: criteria provided, single submitter. Criteria: Invitae Variant Classification Sherloc (09022015). Collection method: clinical testing. Allele origin: germline.

PreventionGenetics, part of Exact Sciences
Classification: Likely benign for CAD-related condition. Last evaluated: 2019-03-01. Review status: no assertion criteria provided. Collection method: clinical testing. Allele origin: germline. Not counted in ClinVar's aggregate classification.
Comment: This variant is classified as likely benign based on ACMG/AMP sequence variant interpretation guidelines (Richards et al. 2015 PMID: 25741868, with internal and published modifications).